The following is an entry in ClinVar:

NM_003442.6(ZNF143):c.918A>G (p.Lys306=)

Gene: ZNF143 (zinc finger protein 143; plus strand). Cytogenetic location: 11p15.4.
Variant type: single nucleotide variant.
Coding change: c.918A>G on transcript NM_003442.6 (MANE Select); coding-DNA position 918, A replaced by G.
Protein change: p.Lys306=; no amino-acid change (lysine 306 retained).
Molecular consequence: synonymous variant.
Genome position (GRCh38, 1-based): chr11:9,497,751, A>G. VCF-style: chr11-9497751-A-G. GRCh37 (hg19) VCF-style: chr11-9519298-A-G.
Other names: c.915A>G, p.Lys305= (NM_001282656.2); c.825A>G, p.Lys275= (NM_001282657.2).
Identifiers: ClinVar variation 787374 (VCV000787374.13), dbSNP rs16906849, ClinGen allele CA5879503.

ClinVar aggregate classification (germline): Benign. Review status: criteria provided, multiple submitters, no conflicts (2 of 4 stars). 3 submissions from 3 submitters: Benign (2). 1 of the submissions does not count toward it. Last evaluated 2026-01-25.

Conditions:
ZNF143-related disorder. Also called: ZNF143-related condition.

Allele frequency attached by ClinVar (database versions not stated): gnomAD exomes 0.00070 and 0.00213; ExAC 0.00267; gnomAD 0.00729 and 0.00800; 1000 Genomes Project 30x 0.00781; 1000 Genomes Project 0.00799; TOPMed 0.00867; ESP Exome Variant Server 0.00901.
gnomAD v4.1: 2,174 of 1,612,502 alleles (0.13%); highest among the groups gnomAD compares: African/African-American, 2.5%; 30 homozygotes.

Submissions (3):

Labcorp Genetics (formerly Invitae), Labcorp
Classification: Benign. Last evaluated: 2026-01-25. Review status: criteria provided, single submitter. Criteria: Invitae Variant Classification Sherloc (09022015). Collection method: clinical testing. Allele origin: germline.

Breakthrough Genomics
Classification: Benign. Review status: criteria provided, single submitter. Criteria: ACMG Guidelines, 2015. Collection method: not provided. Allele origin: germline. Inheritance: Unknown mechanism. Affected: yes.

PreventionGenetics, part of Exact Sciences
Classification: Benign for ZNF143-related condition. Last evaluated: 2024-02-07. Review status: no assertion criteria provided. Collection method: clinical testing. Allele origin: germline. Not counted in ClinVar's aggregate classification.
Comment: This variant is classified as benign based on ACMG/AMP sequence variant interpretation guidelines (Richards et al. 2015 PMID: 25741868, with internal and published modifications).